The following is an entry in ClinVar:

NM_173651.4(FSIP2):c.1069G>C (p.Glu357Gln)

Gene: FSIP2 (fibrous sheath interacting protein 2; plus strand). Cytogenetic location: 2q32.1.
Variant type: single nucleotide variant.
Coding change: c.1069G>C on transcript NM_173651.4 (MANE Select); coding-DNA position 1069, G replaced by C.
Protein change: p.Glu357Gln; replaces glutamic acid 357 with glutamine.
Molecular consequence: missense variant.
Genome position (GRCh38, 1-based): chr2:185,756,269, G>C. VCF-style: chr2-185756269-G-C. GRCh37 (hg19) VCF-style: chr2-186620996-G-C.
Other names: short protein forms E357Q.
Identifiers: ClinVar variation 3034749 (VCV003034749.3), dbSNP rs181232065, ClinGen allele CA2016485.

ClinVar aggregate classification (germline): Likely benign. Review status: criteria provided, single submitter (1 of 4 stars). 2 submissions from 2 submitters: Likely benign (1). 1 of the submissions does not count toward it. Last evaluated 2026-09-01.

Conditions:
FSIP2-related disorder. Also called: FSIP2-related condition.

Allele frequency attached by ClinVar (database versions not stated): TOPMed 0.00069; gnomAD exomes 0.00080; gnomAD 0.00110; 1000 Genomes Project 0.00140; 1000 Genomes Project 30x 0.00187; ExAC 0.00301.
gnomAD v4.1: 1,016 of 1,204,046 alleles (0.084%); highest among the groups gnomAD compares: East Asian, 0.58%; 2 homozygotes.

Submissions (2):

CeGaT Center for Human Genetics Tuebingen
Classification: Likely benign. Last evaluated: 2026-09-01. Review status: criteria provided, single submitter. Criteria: CeGaT Center For Human Genetics Tuebingen Variant Classification Criteria Version 2. Collection method: clinical testing. Allele origin: germline. Affected: yes. Observed: 1 variant allele.
Comment: FSIP2: BP4, BS1

PreventionGenetics, part of Exact Sciences
Classification: Benign for FSIP2-related condition. Last evaluated: 2019-09-20. Review status: no assertion criteria provided. Collection method: clinical testing. Allele origin: germline. Not counted in ClinVar's aggregate classification.
Comment: This variant is classified as benign based on ACMG/AMP sequence variant interpretation guidelines (Richards et al. 2015 PMID: 25741868, with internal and published modifications).